The following is an entry in ClinVar:

NM_001042545.2(LTBP4):c.2686G>A (p.Asp896Asn)

Gene: LTBP4 (latent transforming growth factor beta binding protein 4; plus strand). Cytogenetic location: 19q13.2.
Variant type: single nucleotide variant.
Coding change: c.2686G>A on transcript NM_001042545.2 (MANE Select); coding-DNA position 2686, G replaced by A.
Protein change: p.Asp896Asn; replaces aspartic acid 896 with asparagine.
Molecular consequence: missense variant.
Genome position (GRCh38, 1-based): chr19:40,614,320, G>A. VCF-style: chr19-40614320-G-A. GRCh37 (hg19) VCF-style: chr19-41120226-G-A.
Other names: c.2887G>A, p.Asp963Asn (NM_001042544.1); c.2776G>A, p.Asp926Asn (NM_003573.2); short protein forms D896N, D926N, D963N.
Identifiers: ClinVar variation 2071356 (VCV002071356.4), dbSNP rs2515368498, ClinGen allele CA405939798.

ClinVar aggregate classification (germline): Uncertain significance (1 of 4 stars; one submission).

Submission:

Labcorp Genetics (formerly Invitae), Labcorp
Classification: Uncertain significance. Last evaluated: 2022-08-19. Review status: criteria provided, single submitter. Criteria: Invitae Variant Classification Sherloc (09022015). Collection method: clinical testing. Allele origin: germline.
Comment: This variant is not present in population databases (gnomAD no frequency). This sequence change replaces aspartic acid, which is acidic and polar, with asparagine, which is neutral and polar, at codon 926 of the LTBP4 protein (p.Asp926Asn). This variant has not been reported in the literature in individuals affected with LTBP4-related conditions. In summary, the available evidence is currently insufficient to determine the role of this variant in disease. Therefore, it has been classified as a Variant of Uncertain Significance. Experimental studies and prediction algorithms are not available or were not evaluated, and the functional significance of this variant is currently unknown.